The following is an entry in ClinVar:

ClinVar aggregate classification (germline): Uncertain significance (0 of 4 stars; one submission).

Conditions:
Prostate cancer. Also called: Malignant tumor of prostate. Identifiers: Orphanet 1331, MedGen C0376358, MONDO:0008315, HP:0012125.

Allele frequency attached by ClinVar (database versions not stated): gnomAD exomes below 0.00001; TOPMed 0.00001; gnomAD 0.00001.
gnomAD v4.1: 6 of 1,613,296 alleles (0.00037%); highest among the groups gnomAD compares: Non-Finnish European, 0.00051%; no homozygotes.

Submission:

Science for Life laboratory,  Karolinska Institutet
Classification: Uncertain significance for Malignant tumor of prostate. Review status: no assertion criteria provided. Collection method: not provided. Allele origin: somatic.
Comment: TumorID:SWE-4
ClinVar note: Converted during submission from Unknown to Uncertain significance.

NM_014766.5(SCRN1):c.1223C>T (p.Thr408Met)

Gene: SCRN1 (secernin 1; minus strand). Cytogenetic location: 7p14.3.
Variant type: single nucleotide variant.
Coding change: c.1223C>T on transcript NM_014766.5 (MANE Select); coding-DNA position 1223, C replaced by T.
Protein change: p.Thr408Met; replaces threonine 408 with methionine.
Molecular consequence: missense variant.
Genome position (GRCh38, 1-based): chr7:29,923,979, G>A on the plus strand (C>T on the coding strand, the complement: SCRN1 is on the minus strand). VCF-style: chr7-29923979-G-A. GRCh37 (hg19) VCF-style: chr7-29963595-G-A.
Other names: c.1223C>T, p.Thr408Met (NM_001145513.1); c.1283C>T, p.Thr428Met (NM_001145514.1); c.1019C>T, p.Thr340Met (NM_001145515.2); short protein forms T408M, T428M, T340M.
Identifiers: ClinVar variation 161537 (VCV000161537.2), dbSNP rs193920979, ClinGen allele CA174292.
Genomic context (GRCh38, chr7:29,923,979, plus strand): 5'-GGAAGTCTTAAATAAGAAGGGGAAAGGGAACGCTTACTTCACTTAAAGAACTTAATCTCC[G>A]TGTCAACACAGTCATAGAAAAGGTCCCCCACTTCCGCAGGGTCCAGTGGCTCGGAGCTGG-3'
Protein context (NP_055581.3, residues 398-414): VGDLFYDCVD[Thr408Met]EIKFFK